The following is an entry in ClinVar:

NM_177972.3(TUB):c.736G>A (p.Val246Ile)

Genes: RIC3 (RIC3 acetylcholine receptor chaperone; minus strand), TUB (TUB bipartite transcription factor; plus strand). Cytogenetic location: 11p15.4.
Variant type: single nucleotide variant.
Coding change: c.736G>A on transcript NM_177972.3 (MANE Select); coding-DNA position 736, G replaced by A.
Protein change: p.Val246Ile; replaces valine 246 with isoleucine.
Molecular consequence: missense variant.
Genome position (GRCh38, 1-based): chr11:8,097,276, G>A. VCF-style: chr11-8097276-G-A. GRCh37 (hg19) VCF-style: chr11-8118823-G-A.
Other names: c.901G>A, p.Val301Ile (NM_003320.5); short protein forms V301I, V246I.
Identifiers: ClinVar variation 956470 (VCV000956470.10), dbSNP rs140261272, ClinGen allele CA5871223.

ClinVar aggregate classification (germline): Uncertain significance. Review status: criteria provided, multiple submitters, no conflicts (2 of 4 stars). 3 submissions from 3 submitters: Uncertain significance (3). Last evaluated 2026-05-07.

Conditions:
TUB-related disorder. Also called: TUB-related condition.

Allele frequency attached by ClinVar (database versions not stated): gnomAD 0.00010 and 0.00011; TOPMed 0.00010; ExAC 0.00012; gnomAD exomes 0.00012 and 0.00013; ESP Exome Variant Server 0.00015; 1000 Genomes Project 30x 0.00047; 1000 Genomes Project 0.00060.
gnomAD v4.1: 208 of 1,614,192 alleles (0.013%); highest among the groups gnomAD compares: Middle Eastern, 0.13%; no homozygotes.

Submissions (3):

PreventionGenetics, part of Exact Sciences
Classification: Uncertain significance for TUB-related condition. Last evaluated: 2026-05-07. Review status: criteria provided, single submitter. Criteria: ACMG Guidelines, 2015. Collection method: clinical testing. Allele origin: germline.
Comment: The TUB c.901G>A variant is predicted to result in the amino acid substitution p.Val301Ile. To our knowledge, this variant has not been reported in the literature. This variant is reported in 0.015% of alleles in individuals of European (Non-Finnish) descent in gnomAD. At this time, the clinical significance of this variant is uncertain due to the absence of conclusive functional and genetic evidence.

Blueprint Genetics
Classification: Uncertain significance. Last evaluated: 2024-11-20. Review status: criteria provided, single submitter. Criteria: ACMG Guidelines, 2015. Collection method: clinical testing. Allele origin: germline.

Labcorp Genetics (formerly Invitae), Labcorp
Classification: Uncertain significance. Last evaluated: 2024-01-24. Review status: criteria provided, single submitter. Criteria: Invitae Variant Classification Sherloc (09022015). Collection method: clinical testing. Allele origin: germline.
Comment: This sequence change replaces valine, which is neutral and non-polar, with isoleucine, which is neutral and non-polar, at codon 301 of the TUB protein (p.Val301Ile). This variant is present in population databases (rs140261272, gnomAD 0.02%). This variant has not been reported in the literature in individuals affected with TUB-related conditions. ClinVar contains an entry for this variant (Variation ID: 956470). Algorithms developed to predict the effect of missense changes on protein structure and function output the following: SIFT: "Not Available"; PolyPhen-2: "Benign"; Align-GVGD: "Not Available". The isoleucine amino acid residue is found in multiple mammalian species, which suggests that this missense change does not adversely affect protein function. In summary, the available evidence is currently insufficient to determine the role of this variant in disease. Therefore, it has been classified as a Variant of Uncertain Significance.